The following is an entry in ClinVar:

ClinVar aggregate classification (germline): Likely pathogenic (1 of 4 stars; one submission).

Submission:

Dasa
Classification: Likely pathogenic. Last evaluated: 2025-12-22. Review status: criteria provided, single submitter. Criteria: DASA Assertion Criteria. Collection method: clinical testing. Allele origin: germline.
Comment: NM_017433.5(MYO3A):c.2639_2642dup (p.Pro882Serfs*5) is a frameshift variant in MYO3A predicted to alter the reading frame and introduce a premature termination codon and is predicted to result in an absent or altered protein product. Loss of function is an established disease mechanism for MYO3A-associated disorders. Also, this variant is rare in population databases. Based on the currently available evidence, this variant is classified as likely pathogenic.

NM_017433.5(MYO3A):c.2639_2642dup (p.Pro882fs)

Gene: MYO3A (myosin IIIA; plus strand). Cytogenetic location: 10p12.1.
Variant type: Duplication.
Coding change: c.2639_2642dup on transcript NM_017433.5 (MANE Select); coding-DNA positions 2639 to 2642, 4 bases duplicated (ATCT; older notation c.2639_2642dupATCT).
Protein change: p.Pro882fs; shifts the reading frame from proline 882.
Molecular consequence: frameshift variant.
Genome position (GRCh38, 1-based): chr10:26,153,853-26,153,856, ATCT duplicated. VCF-style (leftmost placement, unchanged base first): chr10-26153852-A-AATCT. GRCh37 (hg19) VCF-style: chr10-26442781-A-AATCT.
Other names: short protein forms P882fs.
Identifiers: ClinVar variation 4880743 (VCV004880743.2).